The following is an entry in ClinVar:

ClinVar aggregate classification (germline): Uncertain significance (1 of 4 stars; one submission).

Conditions:
Familial hypokalemia-hypomagnesemia (GTLMNS). Also called: gitelman syndrome; HYPOMAGNESEMIA-HYPOKALEMIA, PRIMARY RENOTUBULAR, WITH HYPOCALCIURIA; POTASSIUM AND MAGNESIUM DEPLETION. Identifiers: Orphanet 358, MedGen C0268450, MONDO:0009904, OMIM 263800.

Allele frequency attached by ClinVar (database versions not stated): gnomAD exomes below 0.00001.
gnomAD v4.1: 3 of 1,613,884 alleles (0.00019%); highest among the groups gnomAD compares: South Asian, 0.0022%; no homozygotes.

Submission:

European Hospital Georges Pompidou Genetics Department, Assistance Publique - Hôpitaux de Paris AP-HP
Classification: Uncertain significance for Familial hypokalemia-hypomagnesemia. Last evaluated: 2022-04-27. Review status: criteria provided, single submitter. Criteria: ACMG Guidelines, 2015. Collection method: clinical testing. Allele origin: germline. Affected: yes.
Comment: ACMG criteria used:PM2

NM_001126108.2(SLC12A3):c.2925-33A>G

Genes: SLC12A3 (solute carrier family 12 member 3; plus strand), LOC126862361 (CDK7 strongly-dependent group 2 enhancer GRCh37_chr16:56946332-56947531; plus strand). Cytogenetic location: 16q13.
Variant type: single nucleotide variant.
Coding change: c.2925-33A>G on transcript NM_001126108.2 (MANE Select); 33 bases into the intron before coding-DNA position 2925, A replaced by G.
Molecular consequence: intron variant.
Genome position (GRCh38, 1-based): chr16:56,913,231, A>G. VCF-style: chr16-56913231-A-G. GRCh37 (hg19) VCF-style: chr16-56947143-A-G.
Other names: c.2952-33A>G (NM_000339.3); c.2949-33A>G (NM_001126107.2).
Identifiers: ClinVar variation 1684186 (VCV001684186.1), dbSNP rs1567452700, ClinGen allele CA622343474.